The following is an entry in ClinVar:

NM_000368.5(TSC1):c.812_813del (p.Ser270_Tyr271insTer)

Gene: TSC1 (TSC complex subunit 1; minus strand). Cytogenetic location: 9q34.13.
Variant type: Microsatellite.
Coding change: c.812_813del on transcript NM_000368.5 (MANE Select); coding-DNA positions 812 to 813, 2 bases deleted (AT; older notation c.812_813delAT).
Protein change: p.Ser270_Tyr271insTer.
Molecular consequence: nonsense.
Genome position (GRCh38, 1-based): chr9:132,912,382-132,912,383, AT deleted on the plus strand (AT on the coding strand, the reverse complement: TSC1 is on the minus strand); deleting any 2 consecutive bases within chr9:132,912,382-132,912,385 gives the same sequence; the c. name uses the placement nearest the transcript's 3' end. VCF-style (leftmost placement, unchanged base first): chr9-132912381-CAT-C. GRCh37 (hg19) VCF-style: chr9-135787768-CAT-C.
Other names: c.812_813delAT (NM_000368.4); c.812_813del, p.Ser270_Tyr271insTer (NM_001162426.2); c.659_660del, p.Ser219_Tyr220insTer (NM_001162427.2); c.449_450del, p.Ser149_Tyr150insTer (NM_001362177.2).
Identifiers: ClinVar variation 49107 (VCV000049107.10), dbSNP rs118203451, ClinGen allele CA008226.

ClinVar aggregate classification (germline): Pathogenic. Review status: criteria provided, multiple submitters, no conflicts (2 of 4 stars). 3 submissions from 3 submitters: Pathogenic (2). 1 of the submissions does not count toward it. Last evaluated 2022-03-04.

Conditions:
Hereditary cancer-predisposing syndrome. Also called: Neoplastic Syndromes, Hereditary; Tumor predisposition; Hereditary Cancer Syndrome; Hereditary neoplastic syndrome. Identifiers: Orphanet 140162, MedGen C0027672, MeSH D009386, MONDO:0015356.
Tuberous sclerosis syndrome (TSC). Also called: Tuberous Sclerosis Complex; Tuberous sclerosis. Identifiers: Orphanet 805, MedGen C0041341, MONDO:0001734.
Tuberous sclerosis 1 (TSC1). Identifiers: Orphanet 805, MedGen C1854465, MONDO:0008612, OMIM 191100.

Submissions (3):

Labcorp Genetics (formerly Invitae), Labcorp
Classification: Pathogenic for Tuberous sclerosis 1. Last evaluated: 2022-03-04. Review status: criteria provided, single submitter. Criteria: Invitae Variant Classification Sherloc (09022015). Collection method: clinical testing. Allele origin: germline.
Comment: For these reasons, this variant has been classified as Pathogenic. ClinVar contains an entry for this variant (Variation ID: 49107). This variant has not been reported in the literature in individuals affected with TSC1-related conditions. This variant is not present in population databases (gnomAD no frequency). This sequence change creates a premature translational stop signal (p.Tyr271*) in the TSC1 gene. It is expected to result in an absent or disrupted protein product. Loss-of-function variants in TSC1 are known to be pathogenic (PMID: 10227394, 17304050).

Ambry Genetics
Classification: Pathogenic for Hereditary cancer-predisposing syndrome. Last evaluated: 2014-02-06. Review status: criteria provided, single submitter. Criteria: Ambry Autosomal Dominant and X-Linked criteria (10/2015). Collection method: clinical testing. Allele origin: germline. Observed: 1 variant allele.
Comment: The c.812_813delAT (also known as p.Y271*) pathogenic mutation located in coding exon 7 of the TSC1 gene, results from a deletion of two nucleotides between nucleotide positions 812 and 813, causing a translational frameshift with a predicted alternate stop codon. Since frameshifts are typically deleterious in nature, this alteration is interpreted as a disease-causing mutation (ACMG Recommendations for Standards for Interpretation and Reporting of Sequence Variations. Revision 2007. Genet Med. 2008;10:294).

Tuberous sclerosis database (TSC1)
No classification provided. Condition: TSC. Review status: no classification provided. Criteria: Tuberous Sclerosis Database Assertion Criteria 2015. Collection method: curation. Allele origin: germline. Affected: yes. Not counted in ClinVar's aggregate classification.

Literature cited by the submitters: PubMed 10227394 (cited by Labcorp Genetics (formerly Invitae), Labcorp); PubMed 17304050 (cited by Labcorp Genetics (formerly Invitae), Labcorp).